The following is an entry in ClinVar:

NM_053025.4(MYLK):c.4820G>A (p.Gly1607Asp)

Gene: MYLK (myosin light chain kinase; minus strand). Cytogenetic location: 3q21.1.
Variant type: single nucleotide variant.
Coding change: c.4820G>A on transcript NM_053025.4 (MANE Select); coding-DNA position 4820, G replaced by A.
Protein change: p.Gly1607Asp; replaces glycine 1607 with aspartic acid.
Molecular consequence: missense variant.
Genome position (GRCh38, 1-based): chr3:123,640,304, C>T on the plus strand (G>A on the coding strand, the complement: MYLK is on the minus strand). VCF-style: chr3-123640304-C-T. GRCh37 (hg19) VCF-style: chr3-123359151-C-T.
Other names: c.4292G>A, p.Gly1431Asp (NM_001321309.2); c.4613G>A, p.Gly1538Asp (NM_053026.4, NM_053028.4); c.4820G>A, p.Gly1607Asp (NM_053027.4); short protein forms G1607D, G1431D, G1538D.
Identifiers: ClinVar variation 3667454 (VCV003667454.2).

ClinVar aggregate classification (germline): Uncertain significance (1 of 4 stars; one submission).

Conditions:
Aortic aneurysm, familial thoracic 7 (AAT7). Also called: AORTIC DISSECTION, FAMILIAL, WITH OR WITHOUT AORTIC ANEURYSM. Identifiers: MedGen C3151077, MONDO:0013418, OMIM 613780.

gnomAD v4.1: 1 of 1,613,982 alleles (0.000062%); no homozygotes.

Submission:

Labcorp Genetics (formerly Invitae), Labcorp
Classification: Uncertain significance for Aortic aneurysm, familial thoracic 7. Last evaluated: 2024-12-15. Review status: criteria provided, single submitter. Criteria: Invitae Variant Classification Sherloc (09022015). Collection method: clinical testing. Allele origin: germline.
Comment: This sequence change replaces glycine, which is neutral and non-polar, with aspartic acid, which is acidic and polar, at codon 1607 of the MYLK protein (p.Gly1607Asp). This variant is not present in population databases (gnomAD no frequency). This variant has not been reported in the literature in individuals affected with MYLK-related conditions. Invitae Evidence Modeling of protein sequence and biophysical properties (such as structural, functional, and spatial information, amino acid conservation, physicochemical variation, residue mobility, and thermodynamic stability) indicates that this missense variant is not expected to disrupt MYLK protein function with a negative predictive value of 80%. In summary, the available evidence is currently insufficient to determine the role of this variant in disease. Therefore, it has been classified as a Variant of Uncertain Significance.